The following is an entry in ClinVar:

NM_000278.5(PAX2):c.43+10G>C

Gene: PAX2 (paired box 2; plus strand). Cytogenetic location: 10q24.31.
Variant type: single nucleotide variant.
Coding change: c.43+10G>C on transcript NM_000278.5 (MANE Select); 10 bases into the intron after coding-DNA position 43, G replaced by C.
Molecular consequence: intron variant.
Genome position (GRCh38, 1-based): chr10:100,746,313, G>C. VCF-style: chr10-100746313-G-C. GRCh37 (hg19) VCF-style: chr10-102506070-G-C.
Other names: p.?; c.136+10G>C (NM_001304569.2, NM_001374303.1); c.43+10G>C (NM_003987.5, NM_003990.5, NM_003988.5 and 1 more transcripts).
Identifiers: ClinVar variation 94387 (VCV000094387.24), dbSNP rs4472867, ClinGen allele CA147792.
Genomic context (GRCh38, chr10:100,746,313, plus strand): 5'-GCCTCCCCATGGATATGCACTGCAAAGCAGACCCCTTCTCCGCGATGCACCGTGAGTACC[G>C]GCGCCCGGCTCCTGTCCCGGCTCGGGGCTCTCCGTCCCAACCCTGTCCAGTCCCAGCGTG-3'

ClinVar aggregate classification (germline): Benign. Review status: criteria provided, multiple submitters, no conflicts (2 of 4 stars). 13 submissions from 12 submitters: Benign (10). 3 of the submissions do not count toward it. Last evaluated 2026-02-04.

Conditions:
Focal segmental glomerulosclerosis 7 (FSGS7). Identifiers: Orphanet 656, MedGen C4014925, MONDO:0014451, OMIM 616002.
Renal coloboma syndrome (PAPRS). Also called: PAPILLORENAL SYNDROME; COLOBOMA OF OPTIC NERVE WITH RENAL DISEASE; OPTIC COLOBOMA, VESICOURETERAL REFLUX, AND RENAL ANOMALIES; OPTIC NERVE COLOBOMA WITH RENAL DISEASE; RENAL-COLOBOMA SYNDROME WITH MACULAR ABNORMALITIES; PAPILLORENAL SYNDROME WITH MILD OCULAR ABNORMALITIES. Identifiers: Orphanet 1475, MedGen C1852759, MONDO:0007352, OMIM 120330.

Allele frequency attached by ClinVar (database versions not stated): ESP Exome Variant Server 0.77499; TOPMed 0.78991; 1000 Genomes Project 30x 0.84463; 1000 Genomes Project 0.84665.
gnomAD v4.1: 1,278,577 of 1,576,532 alleles (81%); highest among the groups gnomAD compares: East Asian, 100%; 520,621 homozygotes.

Submissions (13):

Labcorp Genetics (formerly Invitae), Labcorp
Classification: Benign for Renal coloboma syndrome; Focal segmental glomerulosclerosis 7. Last evaluated: 2026-02-04. Review status: criteria provided, single submitter. Criteria: Invitae Variant Classification Sherloc (09022015). Collection method: clinical testing. Allele origin: germline.

Blueprint Genetics
Classification: Benign. Last evaluated: 2024-11-27. Review status: criteria provided, single submitter. Criteria: ACMG Guidelines, 2015. Collection method: clinical testing. Allele origin: germline.

Unidad de Genómica Garrahan, Hospital de Pediatría Garrahan
Classification: Benign. Last evaluated: 2024-07-15. Review status: criteria provided, single submitter. Criteria: ACMG Guidelines, 2015. Collection method: clinical testing. Allele origin: germline. Affected: no. Observed: 90 variant alleles.
Comment: This variant is classified as Benign based on local population frequency. This variant was detected in 97% of patients studied in a panel designed for Epileptic and Developmental Encephalopathy and Progressive Myoclonus Epilepsy. Number of patients: 90. Only high quality variants are reported.

Mayo Clinic Laboratories, Mayo Clinic
Classification: Benign. Last evaluated: 2022-03-09. Review status: criteria provided, single submitter. Criteria: ACMG Guidelines, 2015. Collection method: clinical testing. Allele origin: germline. Observed: 484 variant alleles.

Genome-Nilou Lab
Classification: Benign for Focal segmental glomerulosclerosis 7. Last evaluated: 2021-09-05. Review status: criteria provided, single submitter. Criteria: ACMG Guidelines, 2015. Collection method: clinical testing. Allele origin: germline. Affected: no.

Genome-Nilou Lab
Classification: Benign for Renal coloboma syndrome. Last evaluated: 2021-09-05. Review status: criteria provided, single submitter. Criteria: ACMG Guidelines, 2015. Collection method: clinical testing. Allele origin: germline. Affected: no.

GeneDx
Classification: Benign. Last evaluated: 2015-03-03. Review status: criteria provided, single submitter. Criteria: GeneDx Variant Classification Process June 2021. Collection method: clinical testing. Allele origin: germline. Affected: yes.

Eurofins Ntd Llc (ga)
Classification: Benign. Last evaluated: 2013-08-20. Review status: criteria provided, single submitter. Criteria: EGL Classification Definitions 2015. Collection method: clinical testing. Allele origin: germline. Observed: 2 variant alleles, 1 heterozygote, 1 homozygote.

Breakthrough Genomics
Classification: Benign. Review status: criteria provided, single submitter. Criteria: ACMG Guidelines, 2015. Collection method: not provided. Allele origin: germline. Inheritance: Autosomal dominant inheritance. Affected: yes.

PreventionGenetics, part of Exact Sciences
Classification: Benign. Review status: criteria provided, single submitter. Criteria: ACMG Guidelines, 2015. Collection method: clinical testing. Allele origin: germline.

Diagnostic Laboratory, Department of Genetics, University Medical Center Groningen
Classification: Benign for Renal coloboma syndrome. Review status: no assertion criteria provided. Collection method: clinical testing. Allele origin: germline. Affected: yes. Study: VKGL Data-share Consensus. Not counted in ClinVar's aggregate classification.

Genome Diagnostics Laboratory, University Medical Center Utrecht
Classification: Benign. Review status: no assertion criteria provided. Collection method: clinical testing. Allele origin: germline. Affected: yes. Study: VKGL Data-share Consensus. Not counted in ClinVar's aggregate classification.

Joint Genome Diagnostic Labs from Nijmegen and Maastricht, Radboudumc and MUMC+
Classification: Benign. Review status: no assertion criteria provided. Collection method: clinical testing. Allele origin: germline. Affected: yes. Study: VKGL Data-share Consensus. Not counted in ClinVar's aggregate classification.